The following is an entry in ClinVar:

ClinVar aggregate classification (germline): Likely benign. Review status: criteria provided, multiple submitters, no conflicts (2 of 4 stars). 2 submissions from 2 submitters: Likely benign (2). Last evaluated 2026-02-25.

Conditions:
VAPB-related disorder. Also called: VAPB-related condition.
Amyotrophic lateral sclerosis type 8 (ALS8). Identifiers: Orphanet 803, MedGen C1837728, MONDO:0012077, OMIM 608627.
Adult-onset proximal spinal muscular atrophy, autosomal dominant. Also called: FINKEL LATE-ADULT TYPE SMA; Spinal muscular atrophy, late-onset, finkel type. Identifiers: Orphanet 209335, MedGen C1854058, MONDO:0008453, OMIM 182980.

Allele frequency attached by ClinVar (database versions not stated): gnomAD exomes below 0.00001; TOPMed below 0.00001; ExAC 0.00001; gnomAD 0.00001.
gnomAD v4.1: 2 of 1,613,496 alleles (0.00012%); highest among the groups gnomAD compares: Non-Finnish European, 0.00017%; no homozygotes.

Submissions (2):

PreventionGenetics, part of Exact Sciences
Classification: Likely benign for VAPB-related condition. Last evaluated: 2026-02-25. Review status: criteria provided, single submitter. Criteria: ACMG Guidelines, 2015. Collection method: clinical testing. Allele origin: germline.
Comment: This variant is classified as likely benign based on ACMG/AMP sequence variant interpretation guidelines (Richards et al. 2015 PMID: 25741868, with internal and published modifications).

Labcorp Genetics (formerly Invitae), Labcorp
Classification: Likely benign for Adult-onset proximal spinal muscular atrophy, autosomal dominant; Amyotrophic lateral sclerosis type 8. Last evaluated: 2022-05-28. Review status: criteria provided, single submitter. Criteria: Invitae Variant Classification Sherloc (09022015). Collection method: clinical testing. Allele origin: germline.

NM_004738.5(VAPB):c.384G>A (p.Glu128=)

Gene: VAPB (VAMP associated protein B and C; plus strand). Cytogenetic location: 20q13.32.
Variant type: single nucleotide variant.
Coding change: c.384G>A on transcript NM_004738.5 (MANE Select); coding-DNA position 384, G replaced by A.
Protein change: p.Glu128=; no amino-acid change (glutamic acid 128 retained).
Molecular consequence: synonymous variant. On other transcripts: intron variant (1).
Genome position (GRCh38, 1-based): chr20:58,439,013, G>A. VCF-style: chr20-58439013-G-A. GRCh37 (hg19) VCF-style: chr20-57014069-G-A.
Other names: c.212-5064G>A (NM_001195677.2).
Identifiers: ClinVar variation 2160896 (VCV002160896.5), dbSNP rs781247972, ClinGen allele CA9924241.